The following is an entry in ClinVar:

NM_177550.5(SLC13A5):c.839+285C>G

Gene: SLC13A5 (solute carrier family 13 member 5; minus strand). Cytogenetic location: 17p13.1.
Variant type: single nucleotide variant.
Coding change: c.839+285C>G on transcript NM_177550.5 (MANE Select); 285 bases into the intron after coding-DNA position 839, C replaced by G.
Molecular consequence: intron variant.
Genome position (GRCh38, 1-based): chr17:6,700,719, G>C on the plus strand (C>G on the coding strand, the complement: SLC13A5 is on the minus strand). VCF-style: chr17-6700719-G-C. GRCh37 (hg19) VCF-style: chr17-6604038-G-C.
Other names: c.710+285C>G (NM_001284510.2); c.788+285C>G (NM_001284509.2); c.839+285C>G (NM_001143838.3).
Identifiers: ClinVar variation 669657 (VCV000669657.1), dbSNP rs57992805, ClinGen allele CA14459739.

ClinVar aggregate classification (germline): Benign (1 of 4 stars; one submission).

Allele frequency attached by ClinVar (database versions not stated): gnomAD 0.05927 and 0.06216; 1000 Genomes Project 0.06070; 1000 Genomes Project 30x 0.06293; TOPMed 0.06505.
gnomAD v4.1: 8,954 of 152,270 alleles (5.9%); highest among the groups gnomAD compares: African/African-American, 16%; 554 homozygotes.

Submission:

GeneDx
Classification: Benign. Last evaluated: 2018-06-14. Review status: criteria provided, single submitter. Criteria: GeneDx Variant Classification (06012015). Collection method: clinical testing. Allele origin: germline. Affected: yes.
Comment: This variant is considered likely benign or benign based on one or more of the following criteria: it is a conservative change, it occurs at a poorly conserved position in the protein, it is predicted to be benign by multiple in silico algorithms, and/or has population frequency not consistent with disease.